The following is an entry in ClinVar:

ClinVar aggregate classification (germline): Uncertain significance (1 of 4 stars; one submission).

Allele frequency attached by ClinVar (database versions not stated): gnomAD exomes below 0.00001.
gnomAD v4.1: 1 of 1,614,216 alleles (0.000062%); highest among the groups gnomAD compares: Admixed American, 0.0017%; no homozygotes.

Submission:

Labcorp Genetics (formerly Invitae), Labcorp
Classification: Uncertain significance. Last evaluated: 2022-07-29. Review status: criteria provided, single submitter. Criteria: Invitae Variant Classification Sherloc (09022015). Collection method: clinical testing. Allele origin: germline.
Comment: This sequence change replaces aspartic acid, which is acidic and polar, with alanine, which is neutral and non-polar, at codon 539 of the CNNM4 protein (p.Asp539Ala). This variant is present in population databases (no rsID available, gnomAD 0.003%). This variant has not been reported in the literature in individuals affected with CNNM4-related conditions. Algorithms developed to predict the effect of missense changes on protein structure and function (SIFT, PolyPhen-2, Align-GVGD) all suggest that this variant is likely to be tolerated. In summary, the available evidence is currently insufficient to determine the role of this variant in disease. Therefore, it has been classified as a Variant of Uncertain Significance.

NM_020184.4(CNNM4):c.1616A>C (p.Asp539Ala)

Gene: CNNM4 (cyclin and CBS domain divalent metal cation transport mediator 4; plus strand). Cytogenetic location: 2q11.2.
Variant type: single nucleotide variant.
Coding change: c.1616A>C on transcript NM_020184.4 (MANE Select); coding-DNA position 1616, A replaced by C.
Protein change: p.Asp539Ala; replaces aspartic acid 539 with alanine.
Molecular consequence: missense variant.
Genome position (GRCh38, 1-based): chr2:96,797,582, A>C. VCF-style: chr2-96797582-A-C. GRCh37 (hg19) VCF-style: chr2-97463319-A-C.
Other names: short protein forms D539A.
Identifiers: ClinVar variation 2008512 (VCV002008512.4), dbSNP rs1365335257, ClinGen allele CA347703192.